The following is an entry in ClinVar:

NM_001367561.1(DOCK7):c.3781+6T>C

Gene: DOCK7 (dedicator of cytokinesis 7; minus strand). Cytogenetic location: 1p31.3.
Variant type: single nucleotide variant.
Coding change: c.3781+6T>C on transcript NM_001367561.1 (MANE Select); 6 bases into the intron after coding-DNA position 3781, T replaced by C.
Molecular consequence: intron variant.
Genome position (GRCh38, 1-based): chr1:62,529,271, A>G on the plus strand (T>C on the coding strand, the complement: DOCK7 is on the minus strand). VCF-style: chr1-62529271-A-G. GRCh37 (hg19) VCF-style: chr1-62994942-A-G.
Other names: c.3688+6T>C (NM_001272001.2, NM_001272000.2, NM_033407.4); c.3781+6T>C (NM_001271999.2, NM_001330614.2).
Identifiers: ClinVar variation 1521626 (VCV001521626.6), dbSNP rs2149372731, ClinGen allele CA2573132509.
Genomic context (GRCh38, chr1:62,529,271, plus strand): 5'-GATATTTTCTAACACTTTTAAACATTGAGCTTTGCCTTTAATATTTGCCTTAATTATACT[A>G]GGTACCTGTAAAATCATACAGCTGAGGTACAGTTTCCATGATAATACCAATCAGAGGTAG-3'

ClinVar aggregate classification (germline): Uncertain significance (1 of 4 stars; one submission).

Conditions:
Developmental and epileptic encephalopathy, 23 (DEE23). Also called: Epileptic encephalopathy, early infantile, 23. Identifiers: Orphanet 411986, MedGen C4014492, MONDO:0014371, OMIM 615859.

Submission:

Labcorp Genetics (formerly Invitae), Labcorp
Classification: Uncertain significance for Developmental and epileptic encephalopathy, 23. Last evaluated: 2021-09-26. Review status: criteria provided, single submitter. Criteria: Invitae Variant Classification Sherloc (09022015). Collection method: clinical testing. Allele origin: germline.
Comment: This sequence change falls in intron 30 of the DOCK7 gene. It does not directly change the encoded amino acid sequence of the DOCK7 protein. It affects a nucleotide within the consensus splice site of the intron. This variant is not present in population databases (ExAC no frequency). This variant has not been reported in the literature in individuals affected with DOCK7-related conditions. Variants that disrupt the consensus splice site are a relatively common cause of aberrant splicing (PMID: 17576681, 9536098). Algorithms developed to predict the effect of sequence changes on RNA splicing suggest that this variant is not likely to affect RNA splicing. In summary, the available evidence is currently insufficient to determine the role of this variant in disease. Therefore, it has been classified as a Variant of Uncertain Significance.

Literature cited by the submitters: PubMed 17576681; PubMed 9536098.